The following is an entry in ClinVar:

ClinVar aggregate classification (germline): Benign (1 of 4 stars; one submission).

Allele frequency attached by ClinVar (database versions not stated): gnomAD 0.08371 and 0.09032; 1000 Genomes Project 0.09385; TOPMed 0.09457; 1000 Genomes Project 30x 0.10087.
gnomAD v4.1: 12,624 of 152,156 alleles (8.3%); highest among the groups gnomAD compares: African/African-American, 29%; 1,781 homozygotes.

Submission:

GeneDx
Classification: Benign. Last evaluated: 2018-06-18. Review status: criteria provided, single submitter. Criteria: GeneDx Variant Classification (06012015). Collection method: clinical testing. Allele origin: germline. Affected: yes.
Comment: This variant is considered likely benign or benign based on one or more of the following criteria: it is a conservative change, it occurs at a poorly conserved position in the protein, it is predicted to be benign by multiple in silico algorithms, and/or has population frequency not consistent with disease.

NM_213599.3(ANO5):c.364-283T>C

Gene: ANO5 (anoctamin 5; plus strand). Cytogenetic location: 11p14.3.
Variant type: single nucleotide variant.
Coding change: c.364-283T>C on transcript NM_213599.3 (MANE Select); 283 bases into the intron before coding-DNA position 364, T replaced by C.
Molecular consequence: intron variant.
Genome position (GRCh38, 1-based): chr11:22,227,019, T>C. VCF-style: chr11-22227019-T-C. GRCh37 (hg19) VCF-style: chr11-22248565-T-C.
Other names: c.361-283T>C (NM_001142649.2).
Identifiers: ClinVar variation 673916 (VCV000673916.1), dbSNP rs11827827, ClinGen allele CA218735006.
Genomic context (GRCh38, chr11:22,227,019, plus strand): 5'-AAGAAATTGCCCAGAACCGCATAGGTTATTGTGGATTTAGAGATGAGTATACATTGACCA[T>C]GAAATATATGTTTAAAAATAGTCTTTCTCTGCATGTGTCTTTGTATGTCTCTCTTTCTGT-3'